The following is an entry in ClinVar:

ClinVar aggregate classification (germline): Uncertain significance (1 of 4 stars; one submission).

Conditions:
Inborn genetic diseases. Identifiers: MedGen C0950123, MeSH D030342.

Submission:

Ambry Genetics
Classification: Uncertain significance for Inborn genetic diseases. Last evaluated: 2026-02-23. Review status: criteria provided, single submitter. Criteria: Ambry Variant Classification Scheme 2023. Collection method: clinical testing. Allele origin: germline.
Comment: The p.V673A variant (also known as c.2018T>C), located in coding exon 12 of the BMPR2 gene, results from a T to C substitution at nucleotide position 2018. The valine at codon 673 is replaced by alanine, an amino acid with similar properties. This amino acid position is conserved. In addition, this alteration is predicted to be deleterious by in silico analysis. Based on the available evidence, the clinical significance of this variant remains unclear.

NM_001204.7(BMPR2):c.2018T>C (p.Val673Ala)

Gene: BMPR2 (bone morphogenetic protein receptor type 2; plus strand). Cytogenetic location: 2q33.2.
Variant type: single nucleotide variant.
Coding change: c.2018T>C on transcript NM_001204.7 (MANE Select); coding-DNA position 2018, T replaced by C.
Protein change: p.Val673Ala; replaces valine 673 with alanine.
Molecular consequence: missense variant.
Genome position (GRCh38, 1-based): chr2:202,555,683, T>C. VCF-style: chr2-202555683-T-C. GRCh37 (hg19) VCF-style: chr2-203420406-T-C.
Other names: short protein forms V673A.
Identifiers: ClinVar variation 4827182 (VCV004827182.1).